The following is an entry in ClinVar:

ClinVar aggregate classification (germline): Likely benign (1 of 4 stars; one submission).

Conditions:
Retinitis pigmentosa (RP). Identifiers: Orphanet 791, MedGen C0035334, MeSH D012174, MONDO:0019200, OMIM 268000. Inheritance: Autosomal dominant, autosomal recessive and X linked inheritance.

Allele frequency attached by ClinVar (database versions not stated): gnomAD 0.00028 and 0.00030; TOPMed 0.00035; 1000 Genomes Project 0.00060; 1000 Genomes Project 30x 0.00078.
gnomAD v4.1: 43 of 152,280 alleles (0.028%); highest among the groups gnomAD compares: Non-Finnish European, 0.05%; no homozygotes.

Submission:

Illumina Laboratory Services, Illumina
Classification: Likely benign for Retinitis pigmentosa. Last evaluated: 2018-01-12. Review status: criteria provided, single submitter. Criteria: ICSL Variant Classification Criteria 13 December 2019. Collection method: clinical testing. Allele origin: germline.
Comment: This variant was observed in the ICSL laboratory as part of a predisposition screen in an ostensibly healthy population. It had not been previously curated by ICSL or reported in the Human Gene Mutation Database (HGMD: prior to June 1st, 2018), and was therefore a candidate for classification through an automated scoring system. Utilizing variant allele frequency, disease prevalence and penetrance estimates, and inheritance mode, an automated score was calculated to assess if this variant is too frequent to cause the disease. Based on the score and internal cut-off values, a variant classified as likely benign is not then subjected to further curation. The score for this variant resulted in a classification of likely benign for this disease.

NM_002098.6(GUCA1B):c.*1018C>T

Gene: GUCA1B (guanylate cyclase activator 1B; minus strand). Cytogenetic location: 6p21.1.
Variant type: single nucleotide variant.
Coding change: c.*1018C>T on transcript NM_002098.6 (MANE Select); 1018 bases downstream of the stop codon, C replaced by T.
Molecular consequence: 3 prime UTR variant.
Genome position (GRCh38, 1-based): chr6:42,183,797, G>A on the plus strand (C>T on the coding strand, the complement: GUCA1B is on the minus strand). VCF-style: chr6-42183797-G-A. GRCh37 (hg19) VCF-style: chr6-42151535-G-A.
Identifiers: ClinVar variation 356705 (VCV000356705.5), dbSNP rs45569036, ClinGen allele CA10623884.
Genomic context (GRCh38, chr6:42,183,797, plus strand): 5'-CTCCATCCTTTAAAGAGAAACATTCAGCTTATGGCTGGGAGTTGTGGAAGGTCCATACTG[G>A]GGGATATGGATGGAAAGAGAGGATTGTTGGGGGAGTGGTGGGTTGGCAGCAGGGGGTCCC-3'